The following is an entry in ClinVar:

NM_001851.6(COL9A1):c.2702G>A (p.Cys901Tyr)

Gene: COL9A1 (collagen type IX alpha 1 chain; minus strand). Cytogenetic location: 6q13.
Variant type: single nucleotide variant.
Coding change: c.2702G>A on transcript NM_001851.6 (MANE Select); coding-DNA position 2702, G replaced by A.
Protein change: p.Cys901Tyr; replaces cysteine 901 with tyrosine.
Molecular consequence: missense variant. On other transcripts: non-coding transcript variant (1).
Genome position (GRCh38, 1-based): chr6:70,216,961, C>T on the plus strand (G>A on the coding strand, the complement: COL9A1 is on the minus strand). VCF-style: chr6-70216961-C-T. GRCh37 (hg19) VCF-style: chr6-70926664-C-T.
Other names: c.2003G>A, p.Cys668Tyr (NM_001377289.1); c.1826G>A, p.Cys609Tyr (NM_001377290.1); c.1973G>A, p.Cys658Tyr (NM_078485.4); short protein forms C609Y, C658Y, C668Y, C901Y.
Identifiers: ClinVar variation 1714439 (VCV001714439.5), dbSNP rs1225581219, ClinGen allele CA364667820.
Genomic context (GRCh38, chr6:70,216,961, plus strand): 5'-GGGTCAGGCCCTTTGTTAAATGCTCGCTGACCAGCCTGCATGGTGCAGGAGGCTGGCTCA[C>T]AGAAACCGGGAAGCCCAGGAGGTCCCGGGGGTCCAGGCACTCCAGGAATTCCTGCCACCC-3'
Protein context (NP_001842.3, residues 891-911): PPGPPGLPGF[Cys901Tyr]EPASCTMQAG

ClinVar aggregate classification (germline): Uncertain significance (1 of 4 stars; one submission).

Submission:

Labcorp Genetics (formerly Invitae), Labcorp
Classification: Uncertain significance. Last evaluated: 2022-07-30. Review status: criteria provided, single submitter. Criteria: Invitae Variant Classification Sherloc (09022015). Collection method: clinical testing. Allele origin: germline.
Comment: This variant has not been reported in the literature in individuals affected with COL9A1-related conditions. In summary, the available evidence is currently insufficient to determine the role of this variant in disease. Therefore, it has been classified as a Variant of Uncertain Significance. Advanced modeling of protein sequence and biophysical properties (such as structural, functional, and spatial information, amino acid conservation, physicochemical variation, residue mobility, and thermodynamic stability) performed at Invitae indicates that this missense variant is not expected to disrupt COL9A1 protein function. This variant is not present in population databases (gnomAD no frequency). This sequence change replaces cysteine, which is neutral and slightly polar, with tyrosine, which is neutral and polar, at codon 901 of the COL9A1 protein (p.Cys901Tyr).